The following is an entry in ClinVar:

NM_001367624.2(ZNF469):c.19C>T (p.Arg7Ter)

Gene: ZNF469 (zinc finger protein 469; plus strand). Cytogenetic location: 16q24.2.
Variant type: single nucleotide variant.
Coding change: c.19C>T on transcript NM_001367624.2 (MANE Select); coding-DNA position 19, C replaced by T.
Protein change: p.Arg7Ter; replaces arginine 7 with a stop codon.
Molecular consequence: nonsense.
Genome position (GRCh38, 1-based): chr16:88,427,489, C>T. VCF-style: chr16-88427489-C-T. GRCh37 (hg19) VCF-style: chr16-88493897-C-T.
Other names: NM_001127464.1:c.19C>T; NM_001127464.2:c.19C>T; short protein forms R7*.
Identifiers: ClinVar variation 387713 (VCV000387713.13), dbSNP rs1004428835, ClinGen allele CA16607117.

ClinVar aggregate classification (germline): Conflicting classifications of pathogenicity. Review status: criteria provided, conflicting classifications (1 of 4 stars). 7 submissions from 7 submitters: Pathogenic (2); Likely pathogenic (4); Uncertain significance (1). Last evaluated 2025-12-14.

Conditions:
Cardiovascular phenotype. Identifiers: MedGen CN230736.
ZNF469-related disorder. Also called: ZNF469-related condition.
Ehlers-Danlos syndrome (EDS). Identifiers: Orphanet 98249, MedGen C0013720, MONDO:0020066.
Brittle cornea syndrome 1 (BCS1). Also called: Corneal fragility keratoglobus, blue sclerae AND joint hypermobility; DYSGENESIS MESODERMALIS CORNEAE ET SCLERAE; CORNEAL FRAGILITY, KERATOGLOBUS, BLUE SCLERAE, JOINT HYPEREXTENSIBILITY; EDS6B; FRAGILITAS OCULI WITH JOINT HYPEREXTENSIBILITY. Identifiers: Orphanet 90354, MedGen C0268344, MONDO:0024543, OMIM 229200.

Allele frequency attached by ClinVar (database versions not stated): TOPMed 0.00002; gnomAD exomes 0.00019; gnomAD 0.00036 and 0.00037.

Submissions (7):

Labcorp Genetics (formerly Invitae), Labcorp
Classification: Pathogenic. Last evaluated: 2025-12-14. Review status: criteria provided, single submitter. Criteria: Invitae Variant Classification Sherloc (09022015). Collection method: clinical testing. Allele origin: germline.
Comment: This sequence change creates a premature translational stop signal (p.Arg7*) in the ZNF469 gene. It is expected to result in an absent or disrupted protein product. Loss-of-function variants in ZNF469 are known to be pathogenic (PMID: 23642083, 23680354). This variant is present in population databases (no rsID available, gnomAD 0.4%). This variant has not been reported in the literature in individuals affected with ZNF469-related conditions. ClinVar contains an entry for this variant (Variation ID: 387713). For these reasons, this variant has been classified as Pathogenic.

Women's Health and Genetics/Laboratory Corporation of America, LabCorp
Classification: Pathogenic for Brittle cornea syndrome 1. Last evaluated: 2025-04-09. Review status: criteria provided, single submitter. Criteria: LabCorp Variant Classification Summary - May 2015. Collection method: clinical testing. Allele origin: germline.
Comment: Variant summary: ZNF469 c.19C>T (p.Arg7X) results in a premature termination codon, predicted to cause a truncation of the encoded protein. Truncations downstream of this position have been reported in several individuals affected with brittle cornea syndrome in the literature and have been classified as pathogenic by our laboratory and in ClinVar. The variant allele was found at a frequency of 0.00019 in 125018 control chromosomes (gnomAD). This frequency is not significantly higher than estimated for a pathogenic variant in ZNF469 causing Brittle cornea syndrome 1, allowing no conclusion about variant significance. To our knowledge, no occurrence of c.19C>T in individuals affected with brittle cornea syndrome 1 and no experimental evidence demonstrating its impact on protein function have been reported. ClinVar contains an entry for this variant (Variation ID: 387713). Based on the evidence outlined above, the variant was classified as pathogenic.

Blueprint Genetics
Classification: Likely pathogenic for ZNF469-related disorders. Last evaluated: 2023-11-02. Review status: criteria provided, single submitter. Criteria: ACMG Guidelines, 2015. Collection method: clinical testing. Allele origin: germline. Affected: yes. Observed: 5 variant alleles.

Ambry Genetics
Classification: Uncertain significance for Cardiovascular phenotype. Last evaluated: 2022-10-11. Review status: criteria provided, single submitter. Criteria: Ambry Variant Classification Scheme 2023. Collection method: clinical testing. Allele origin: germline.
Comment: The p.R7* variant (also known as c.19C>T), located in coding exon 1 of the ZNF469 gene, results from a C to T substitution at nucleotide position 19. This changes the amino acid from an arginine to a stop codon within coding exon 1. The predicted stop codon occurs in the 5&rsquo; end of theZNF469 gene. Premature termination codons in the 5&rsquo; end of a gene have been reported to escape nonsense-mediated mRNAdecay and/or lead to re-initiation (Rivas et al. Science. 2015 May 8;348(6235):666-9; Lindeboom et al. Nat Genet. 2016 Oct;48(10):1112-8; Rhee et al. Sci Rep. 2017 May 10;7(1):1653). The exact functional effect of this alteration is unknown. Since supporting evidence is limited at this time, the clinical significance of this alteration remains unclear.

Department of Pathology and Laboratory Medicine, Sinai Health System
Classification: Likely pathogenic for Brittle cornea syndrome 1. Last evaluated: 2022-02-16. Review status: criteria provided, single submitter. Criteria: ACMG Guidelines, 2015. Collection method: research. Allele origin: germline.

Genome Diagnostics Laboratory, The Hospital for Sick Children
Classification: Likely pathogenic for Ehlers-Danlos syndrome. Last evaluated: 2021-01-20. Review status: criteria provided, single submitter. Criteria: ACMG Guidelines, 2015. Collection method: clinical testing. Allele origin: germline.

GeneDx
Classification: Likely pathogenic. Last evaluated: 2017-07-17. Review status: criteria provided, single submitter. Criteria: GeneDx Variant Classification (06012015). Collection method: clinical testing. Allele origin: germline. Affected: yes.
Comment: The R7X likely pathogenic variant in the ZNF469 gene has not been reported previously as a pathogenic variant nor as a benign variant, to our knowledge. This variant is predicted to cause loss of normal protein function either through protein truncation or nonsense-mediated mRNA decay. The R7X variant was not observed in approximately 2100 individuals of European and African American ancestry in the NHLBI Exome Sequencing Project, indicating it is not a common benign variant in these populations

Literature cited by the submitters: PubMed 23642083 (cited by Labcorp Genetics (formerly Invitae), Labcorp); PubMed 23680354 (cited by Labcorp Genetics (formerly Invitae), Labcorp).